The following is an entry in ClinVar:

ClinVar aggregate classification (germline): Likely benign. Review status: criteria provided, multiple submitters, no conflicts (2 of 4 stars). 5 submissions from 5 submitters: Likely benign (4). 1 of the submissions does not count toward it. Last evaluated 2026-01-19.

Conditions:
SCARB2-related disorder. Also called: SCARB2-related condition.
Progressive myoclonic epilepsy. Also called: Familial progressive myoclonic epilepsy; Myoclonic Epilepsies, Progressive; Myoclonus epilepsy; Progressive myoclonus epilepsy. Identifiers: Orphanet 308, Orphanet 98261, MedGen C0751778, MONDO:0020074.
Action myoclonus-renal failure syndrome. Also called: MYOCLONUS-NEPHROPATHY SYNDROME; EPILEPSY, PROGRESSIVE MYOCLONIC, 4, WITH RENAL FAILURE; EPILEPSY, PROGRESSIVE MYOCLONIC, 4, WITHOUT RENAL FAILURE; SCARB2-Related Action Myoclonus-Renal Failure Syndrome. Identifiers: Orphanet 163696, MedGen C0751779, MeSH D020191, MONDO:0009699, OMIM 254900.

Allele frequency attached by ClinVar (database versions not stated): ExAC 0.00013; ESP Exome Variant Server 0.00031; gnomAD 0.00042 and 0.00043; TOPMed 0.00061.

Submissions (5):

Labcorp Genetics (formerly Invitae), Labcorp
Classification: Likely benign for Progressive myoclonic epilepsy. Last evaluated: 2026-01-19. Review status: criteria provided, single submitter. Criteria: Invitae Variant Classification Sherloc (09022015). Collection method: clinical testing. Allele origin: germline.

ARUP Laboratories, Molecular Genetics and Genomics, ARUP Laboratories
Classification: Likely benign for Action myoclonus-renal failure syndrome. Last evaluated: 2025-05-01. Review status: criteria provided, single submitter. Criteria: ARUP Molecular Germline Variant Investigation Process 2024. Collection method: clinical testing. Allele origin: germline.

Fulgent Genetics
Classification: Likely benign for Action myoclonus-renal failure syndrome. Last evaluated: 2021-10-20. Review status: criteria provided, single submitter. Criteria: ACMG Guidelines, 2015. Collection method: clinical testing. Allele origin: unknown.

GeneDx
Classification: Likely benign. Last evaluated: 2021-02-02. Review status: criteria provided, single submitter. Criteria: GeneDx Variant Classification Process June 2021. Collection method: clinical testing. Allele origin: germline. Affected: yes.

PreventionGenetics, part of Exact Sciences
Classification: Likely benign for SCARB2-related condition. Last evaluated: 2019-05-17. Review status: no assertion criteria provided. Collection method: clinical testing. Allele origin: germline. Not counted in ClinVar's aggregate classification.
Comment: This variant is classified as likely benign based on ACMG/AMP sequence variant interpretation guidelines (Richards et al. 2015 PMID: 25741868, with internal and published modifications).

NM_005506.4(SCARB2):c.276-7C>G

Gene: SCARB2 (scavenger receptor class B member 2; minus strand). Cytogenetic location: 4q21.1.
Variant type: single nucleotide variant.
Coding change: c.276-7C>G on transcript NM_005506.4 (MANE Select); 7 bases into the intron before coding-DNA position 276, C replaced by G.
Molecular consequence: intron variant.
Genome position (GRCh38, 1-based): chr4:76,181,108, G>C on the plus strand (C>G on the coding strand, the complement: SCARB2 is on the minus strand). VCF-style: chr4-76181108-G-C. GRCh37 (hg19) VCF-style: chr4-77102261-G-C.
Other names: c.276-5198C>G (NM_001204255.2).
Identifiers: ClinVar variation 378502 (VCV000378502.17), dbSNP rs200507087, ClinGen allele CA2970360.